The following is an entry in ClinVar:

ClinVar aggregate classification (germline): Uncertain significance (1 of 4 stars; one submission).

Submission:

GeneDx
Classification: Uncertain significance. Last evaluated: 2024-08-28. Review status: criteria provided, single submitter. Criteria: GeneDx Variant Classification Process June 2021. Collection method: clinical testing. Allele origin: germline. Affected: yes.
Comment: Not observed at significant frequency in large population cohorts (gnomAD); In silico analysis supports that this missense variant has a deleterious effect on protein structure/function; Has not been previously published as pathogenic or benign to our knowledge

NM_001318510.2(ACSL4):c.1615G>C (p.Gly539Arg)

Gene: ACSL4 (acyl-CoA synthetase long chain family member 4; minus strand). Cytogenetic location: Xq23.
Variant type: single nucleotide variant.
Coding change: c.1615G>C on transcript NM_001318510.2 (MANE Select); coding-DNA position 1615, G replaced by C.
Protein change: p.Gly539Arg; replaces glycine 539 with arginine.
Molecular consequence: missense variant.
Genome position (GRCh38, 1-based): chrX:109,661,613, C>G on the plus strand (G>C on the coding strand, the complement: ACSL4 is on the minus strand). VCF-style: chrX-109661613-C-G. GRCh37 (hg19) VCF-style: chrX-108904842-C-G.
Other names: c.1738G>C, p.Gly580Arg (NM_001318509.2, NM_022977.3); c.1615G>C, p.Gly539Arg (NM_004458.3); short protein forms G539R, G580R.
Identifiers: ClinVar variation 3766314 (VCV003766314.1).
Genomic context (GRCh38, chrX:109,661,613, plus strand): 5'-TGTCAATAAGTGGACAATTCTTCAGTGCAGCTTCTACTTTCCCAAGAGATACATACTCTC[C>G]TGCTTGTAACTTCACTAGATCTTTCTTACGATCTGTTAAGTCATAAAGAATGTTAAGTCT-3'
Protein context (NP_001305439.1, residues 529-549): RKKDLVKLQA[Gly539Arg]EYVSLGKVEA